The following is an entry in ClinVar:

ClinVar aggregate classification (germline): Pathogenic (0 of 4 stars; one submission).

Conditions:
Alkaptonuria (AKU). Also called: Alkaptonuric ochronosis; Homogentisic acidura; Alcaptonuria; HOMOGENTISIC ACID OXIDASE DEFICIENCY. Identifiers: Orphanet 56, MedGen C0002066, MONDO:0008753, OMIM 203500.

Allele frequency attached by ClinVar (database versions not stated): gnomAD exomes below 0.00001; ExAC 0.00001.
gnomAD v4.1: 1 of 1,613,900 alleles (0.000062%); no homozygotes.

Submission:

Department Of Human Genetics, Institute Of Clinical And Translational Research, Biomedical Research Center, Slovak Academy Of Sciences
Classification: Pathogenic for Alkaptonuria. Review status: no assertion criteria provided. Collection method: research. Allele origin: germline. Inheritance: Autosomal recessive inheritance. Affected: yes. Observed: 1 variant allele.
Comment: The variant was originally described in AKU patient in PMID:19862842. It has been submitted to the HGD gene mutation database (DB-ID: AKU_00078).

Literature cited by the submitters: PubMed 19862842.

NM_000187.4(HGD):c.806A>G (p.His269Arg)

Gene: HGD (homogentisate 1,2-dioxygenase; minus strand). Cytogenetic location: 3q13.33.
Variant type: single nucleotide variant.
Coding change: c.806A>G on transcript NM_000187.4 (MANE Select); coding-DNA position 806, A replaced by G.
Protein change: p.His269Arg; replaces histidine 269 with arginine.
Molecular consequence: missense variant.
Genome position (GRCh38, 1-based): chr3:120,641,662, T>C on the plus strand (A>G on the coding strand, the complement: HGD is on the minus strand). VCF-style: chr3-120641662-T-C. GRCh37 (hg19) VCF-style: chr3-120360509-T-C.
Other names: short protein forms H269R.
Identifiers: ClinVar variation 2627703 (VCV002627703.1), dbSNP rs756522409, ClinGen allele CA2560057.